The following is an entry in ClinVar:

NM_032444.4(SLX4):c.4130C>T (p.Ser1377Leu)

Gene: SLX4 (SLX4 structure-specific endonuclease subunit; minus strand). Cytogenetic location: 16p13.3.
Variant type: single nucleotide variant.
Coding change: c.4130C>T on transcript NM_032444.4 (MANE Select); coding-DNA position 4130, C replaced by T.
Protein change: p.Ser1377Leu; replaces serine 1377 with leucine.
Molecular consequence: missense variant.
Genome position (GRCh38, 1-based): chr16:3,589,508, G>A on the plus strand (C>T on the coding strand, the complement: SLX4 is on the minus strand). VCF-style: chr16-3589508-G-A. GRCh37 (hg19) VCF-style: chr16-3639509-G-A.
Other names: c.4130C>T (LRG_503t1); short protein forms S1377L.
Identifiers: ClinVar variation 456320 (VCV000456320.16), dbSNP rs770241338, ClinGen allele CA7865725.

ClinVar aggregate classification (germline): Uncertain significance. Review status: criteria provided, multiple submitters, no conflicts (2 of 4 stars). 4 submissions from 4 submitters: Uncertain significance (4). Last evaluated 2025-07-21.

Conditions:
Fanconi anemia (FA). Also called: Fanconi's anemia. Identifiers: Orphanet 84, MedGen C0015625, MeSH D005199, MONDO:0019391.
Inborn genetic diseases. Identifiers: MedGen C0950123, MeSH D030342.
Fanconi anemia complementation group P. Also called: SLX4-Related Fanconi Anemia. Identifiers: Orphanet 84, MedGen C3469542, MONDO:0013499, OMIM 613951.

Allele frequency attached by ClinVar (database versions not stated): gnomAD 0.00001; ExAC 0.00002; gnomAD exomes 0.00002; TOPMed 0.00002.
gnomAD v4.1: 100 of 1,609,522 alleles (0.0062%); highest among the groups gnomAD compares: East Asian, 0.11%; no homozygotes.

Submissions (4):

Labcorp Genetics (formerly Invitae), Labcorp
Classification: Uncertain significance for Fanconi anemia. Last evaluated: 2025-07-21. Review status: criteria provided, single submitter. Criteria: Invitae Variant Classification Sherloc (09022015). Collection method: clinical testing. Allele origin: germline.
Comment: This sequence change replaces serine, which is neutral and polar, with leucine, which is neutral and non-polar, at codon 1377 of the SLX4 protein (p.Ser1377Leu). This variant is present in population databases (rs770241338, gnomAD 0.01%). This variant has not been reported in the literature in individuals affected with SLX4-related conditions. ClinVar contains an entry for this variant (Variation ID: 456320). An algorithm developed to predict the effect of missense changes on protein structure and function outputs the following: PolyPhen-2: "Benign". The leucine amino acid residue is found in multiple mammalian species, which suggests that this missense change does not adversely affect protein function. In summary, the available evidence is currently insufficient to determine the role of this variant in disease. Therefore, it has been classified as a Variant of Uncertain Significance.

Ambry Genetics
Classification: Uncertain significance for Inborn genetic diseases. Last evaluated: 2024-05-01. Review status: criteria provided, single submitter. Criteria: Ambry Variant Classification Scheme 2023. Collection method: clinical testing. Allele origin: germline.

Institute for Clinical Genetics, University Hospital TU Dresden, University Hospital TU Dresden
Classification: Uncertain significance. Last evaluated: 2021-11-03. Review status: criteria provided, single submitter. Criteria: ACMG Guidelines, 2015. Collection method: clinical testing. Allele origin: germline.

Illumina Laboratory Services, Illumina
Classification: Uncertain significance for Fanconi anemia complementation group P. Last evaluated: 2018-01-13. Review status: criteria provided, single submitter. Criteria: ICSL Variant Classification Criteria 13 December 2019. Collection method: clinical testing. Allele origin: germline.